The following is an entry in ClinVar:

ClinVar aggregate classification (germline): Uncertain significance. Review status: criteria provided, multiple submitters, no conflicts (2 of 4 stars). 2 submissions from 2 submitters: Uncertain significance (2). Last evaluated 2023-04-03.

Conditions:
Carney-Stratakis syndrome. Also called: PARAGANGLIOMA AND GASTROINTESTINAL STROMAL TUMOR. Identifiers: Orphanet 97286, MedGen C1847319, MONDO:0011740, OMIM 606864.
Cowden syndrome 3 (CWS3). Identifiers: Orphanet 201, MedGen CN166604, MONDO:0014045.
Pheochromocytoma. Also called: MAX-Related Hereditary Paraganglioma-Pheochromocytoma Syndrome. Identifiers: Orphanet 29072, MedGen C0031511, MONDO:0008233, OMIM 171300, HP:0002666.
Paragangliomas with sensorineural hearing loss. Identifiers: MedGen C1868633.
Hereditary pheochromocytoma and paraganglioma. Also called: Hereditary paragangliomas and pheochromocytomas; Hereditary Paraganglioma-Pheochromocytoma Syndromes; Hereditary pheochromocytoma-paraganglioma. Identifiers: Orphanet 29072, MedGen C4274332, MONDO:0017366.

Submissions (2):

All of Us Research Program, National Institutes of Health
Classification: Uncertain significance for Hereditary pheochromocytoma and paraganglioma. Last evaluated: 2023-04-03. Review status: criteria provided, single submitter. Criteria: ACMG Guidelines, 2015. Collection method: clinical testing. Allele origin: germline. Inheritance: Autosomal dominant inheritance. Observed: 1 variant allele, 1 heterozygote.
Comment: This missense variant replaces proline with histidine at codon 28 of the SDHD protein. Computational prediction is inconclusive regarding the impact of this variant on protein structure and function (internally defined REVEL score threshold 0.5 < inconclusive < 0.7, PMID: 27666373). To our knowledge, functional studies have not been reported for this variant. This variant has not been reported in individuals affected with SDHD-related disorders in the literature. This variant has not been identified in the general population by the Genome Aggregation Database (gnomAD). The available evidence is insufficient to determine the role of this variant in disease conclusively. Therefore, this variant is classified as a Variant of Uncertain Significance.

This study involves interpretation of variants in research participants for the purpose of population health screening. Participant phenotype was not available at the time of variant classification. Additional details can be found in publication PMID: 35346344, PMCID: PMC8962531

Labcorp Genetics (formerly Invitae), Labcorp
Classification: Uncertain significance for Carney-Stratakis syndrome; Paragangliomas with sensorineural hearing loss; Pheochromocytoma; Cowden syndrome 3. Last evaluated: 2021-06-24. Review status: criteria provided, single submitter. Criteria: Invitae Variant Classification Sherloc (09022015). Collection method: clinical testing. Allele origin: germline.
Comment: This sequence change replaces proline with histidine at codon 28 of the SDHD protein (p.Pro28His). The proline residue is moderately conserved and there is a moderate physicochemical difference between proline and histidine. This variant is not present in population databases (ExAC no frequency). This variant has not been reported in the literature in individuals with SDHD-related conditions. Advanced modeling of protein sequence and biophysical properties (such as structural, functional, and spatial information, amino acid conservation, physicochemical variation, residue mobility, and thermodynamic stability) performed at Invitae indicates that this missense variant is not expected to disrupt SDHD protein function. In summary, the available evidence is currently insufficient to determine the role of this variant in disease. Therefore, it has been classified as a Variant of Uncertain Significance.

NM_003002.4(SDHD):c.83C>A (p.Pro28His)

Gene: SDHD (succinate dehydrogenase complex subunit D; plus strand). Cytogenetic location: 11q23.1.
Variant type: single nucleotide variant.
Coding change: c.83C>A on transcript NM_003002.4 (MANE Select); coding-DNA position 83, C replaced by A.
Protein change: p.Pro28His; replaces proline 28 with histidine.
Molecular consequence: missense variant. On other transcripts: non-coding transcript variant (1), intron variant (1).
Genome position (GRCh38, 1-based): chr11:112,087,887, C>A. VCF-style: chr11-112087887-C-A. GRCh37 (hg19) VCF-style: chr11-111958611-C-A.
Other names: c.83C>A, p.Pro28His (NM_001276503.2, NM_001276506.2); c.52+928C>A (NM_001276504.2); short protein forms P28H.
Identifiers: ClinVar variation 1363961 (VCV001363961.9), dbSNP rs2135267114, ClinGen allele CA382616958.
Genomic context (GRCh38, chr11:112,087,887, plus strand): 5'-TTATGATCATCCTAATGACTCTTTCCTCAGCTCTGTTGCTTCGAACTCCAGTGGTCAGAC[C>A]TGCTCATATCTCAGCATTTCTTCAGGACCGACCTATCCCAGAATGGTGTGGAGTGCAGCA-3'
Protein context (NP_002993.1, residues 18-38): ALLLRTPVVR[Pro28His]AHISAFLQDR